The following is an entry in ClinVar:

NM_001267550.2(TTN):c.39282_39284delinsCCA (p.Pro13095His)

Gene: TTN (titin; minus strand). Cytogenetic location: 2q31.2.
Variant type: Indel.
Coding change: c.39282_39284delinsCCA on transcript NM_001267550.2 (MANE Select); coding-DNA positions 39282 to 39284, TCC replaced by CCA.
Protein change: p.Pro13095His; replaces proline 13095 with histidine.
Molecular consequence: missense variant. On other transcripts: intron variant (3).
Genome position (GRCh38, 1-based): chr2:178,652,107-178,652,109, GGA replaced by TGG on the plus strand (TCC replaced by CCA on the coding strand, the reverse complement: TTN is on the minus strand). VCF-style: chr2-178652107-GGA-TGG. GRCh37 (hg19) VCF-style: chr2-179516834-GGA-TGG.
Other names: c.34761_34763delinsCCA, p.Pro11588His (NM_001256850.1); c.31980_31982delinsCCA, p.Pro10661His (NM_133378.4); c.13283-9792_13283-9790delinsCCA (NM_003319.4); c.13859-9792_13859-9790delinsCCA (NM_133437.4); c.13658-9792_13658-9790delinsCCA (NM_133432.3); short protein forms P10661H, P11588H, P13095H.
Identifiers: ClinVar variation 2573639 (VCV002573639.1), dbSNP rs2472396243, ClinGen allele CA2580614506.

ClinVar aggregate classification (germline): Uncertain significance (1 of 4 stars; one submission).

Submission:

Women's Health and Genetics/Laboratory Corporation of America, LabCorp
Classification: Uncertain significance. Last evaluated: 2023-06-29. Review status: criteria provided, single submitter. Criteria: LabCorp Variant Classification Summary - May 2015. Collection method: clinical testing. Allele origin: germline.
Comment: Variant summary: TTN c.31980_31982delinsCCA (p.Pro10661His) results in a non-conservative amino acid change located in the I-band of the encoded protein sequence. One of two in-silico tools predict a benign effect of the variant on protein function. The variant was absent in 248952 control chromosomes. The available data on variant occurrences in the general population are insufficient to allow any conclusion about variant significance. To our knowledge, no occurrence of c.31980_31982delinsCCA in individuals affected with Limb-Girdle Muscular Dystrophy, Type 2J and no experimental evidence demonstrating its impact on protein function have been reported. No submitters have cited clinical-significance assessments for this variant to ClinVar after 2014. Based on the evidence outlined above, the variant was classified as uncertain significance.